The following is an entry in ClinVar:

ClinVar aggregate classification (germline): Likely benign (1 of 4 stars; one submission).

Submission:

Dasa
Classification: Likely benign. Last evaluated: 2025-10-31. Review status: criteria provided, single submitter. Criteria: DASA Assertion Criteria. Collection method: clinical testing. Allele origin: germline.
Comment: NM_000484.4(APP):c.1687+19869T>C is an intronic variant. The variant context is inconsistent with a known disease-causing mechanism. Computational prediction algorithms are consistent with a benign effect. Therefore, based on the currently available evidence, this variant is classified as likely benign.

NM_000484.4(APP):c.1687+19869T>C

Gene: APP (amyloid beta precursor protein; minus strand). Cytogenetic location: 21q21.3.
Variant type: single nucleotide variant.
Coding change: c.1687+19869T>C on transcript NM_000484.4 (MANE Select); 19869 bases into the intron after coding-DNA position 1687, T replaced by C.
Molecular consequence: intron variant.
Genome position (GRCh38, 1-based): chr21:25,934,721, A>G on the plus strand (T>C on the coding strand, the complement: APP is on the minus strand). VCF-style: chr21-25934721-A-G. GRCh37 (hg19) VCF-style: chr21-27307035-A-G.
Other names: c.1357+19869T>C (NM_001136131.3); c.1294+19869T>C (NM_001136129.3); c.1519+19869T>C (NM_001136130.3, NM_001385253.1); c.1462+19869T>C (NM_001204303.2, NM_201414.3); c.1630+19869T>C (NM_001204302.2, NM_201413.3); c.1687+19869T>C (NM_001204301.2); c.1615+19869T>C (NM_001136016.3).
Identifiers: ClinVar variation 4884171 (VCV004884171.2).